The following is an entry in ClinVar:

NM_001267550.2(TTN):c.30683-18_30683-9del

Gene: TTN (titin; minus strand). Cytogenetic location: 2q31.2.
Variant type: Microsatellite.
Coding change: c.30683-18_30683-9del on transcript NM_001267550.2 (MANE Select); 18 bases into the intron before coding-DNA position 30683 through 9 bases into the intron before coding-DNA position 30683, 10 bases deleted (CTTTTTTTTT; older notation c.30683-18_30683-9delCTTTTTTTTT).
Molecular consequence: intron variant.
Genome position (GRCh38, 1-based): chr2:178,698,923-178,698,932, AAAAAAAAAG deleted on the plus strand (CTTTTTTTTT on the coding strand, the reverse complement: TTN is on the minus strand); deleting any 10 consecutive bases within chr2:178,698,923-178,698,948 gives the same sequence; the c. name uses the placement nearest the transcript's 3' end. VCF-style (leftmost placement, unchanged base first): chr2-178698922-AAAAAAAAAAG-A. GRCh37 (hg19) VCF-style: chr2-179563649-AAAAAAAAAAG-A.
Other names: c.13282+39150_13282+39159del (NM_003319.4); c.13858+39150_13858+39159del (NM_133437.4); c.13657+39150_13657+39159del (NM_133432.3); c.26951-18_26951-9del (NM_133378.4); c.29732-18_29732-9del (NM_001256850.1); c.30683-18_30683-9del10 (NM_001267550.2).
Identifiers: ClinVar variation 498209 (VCV000498209.15), dbSNP rs775388232, ClinGen allele CA1999056.

ClinVar aggregate classification (germline): Conflicting classifications of pathogenicity. Review status: criteria provided, conflicting classifications (1 of 4 stars). 4 submissions from 4 submitters: Uncertain significance (1); Likely benign (2). 1 of the submissions does not count toward it. Last evaluated 2026-01-28.

Conditions:
TTN-related disorder. Also called: TTN-related disorders; TTN-related condition; TTN-related disease.
Dilated cardiomyopathy 1G (CMD1G). Identifiers: Orphanet 154, MedGen C1858763, MONDO:0011400, OMIM 604145.
Autosomal recessive limb-girdle muscular dystrophy type 2J (LGMDR10). Also called: Limb-girdle muscular dystrophy, type 2J; MUSCULAR DYSTROPHY, LIMB-GIRDLE, AUTOSOMAL RECESSIVE 10. Identifiers: Orphanet 140922, MedGen C1837342, MONDO:0012127, OMIM 608807.

Submissions (4):

Labcorp Genetics (formerly Invitae), Labcorp
Classification: Likely benign for Dilated cardiomyopathy 1G; Autosomal recessive limb-girdle muscular dystrophy type 2J. Last evaluated: 2026-01-28. Review status: criteria provided, single submitter. Criteria: Invitae Variant Classification Sherloc (09022015). Collection method: clinical testing. Allele origin: germline.

Blueprint Genetics
Classification: Likely benign. Last evaluated: 2023-10-05. Review status: criteria provided, single submitter. Criteria: ACMG Guidelines, 2015. Collection method: clinical testing. Allele origin: germline.

Eurofins Ntd Llc (ga)
Classification: Uncertain significance. Last evaluated: 2017-01-19. Review status: criteria provided, single submitter. Criteria: EGL Classification Definitions 2015. Collection method: clinical testing. Allele origin: germline. Observed: 3 variant alleles, 3 heterozygotes.

PreventionGenetics, part of Exact Sciences
Classification: Likely benign for TTN-related condition. Last evaluated: 2021-03-16. Review status: no assertion criteria provided. Collection method: clinical testing. Allele origin: germline. Not counted in ClinVar's aggregate classification.
Comment: This variant is classified as likely benign based on ACMG/AMP sequence variant interpretation guidelines (Richards et al. 2015 PMID: 25741868, with internal and published modifications).